The following is an entry in ClinVar:

ClinVar aggregate classification (germline): Uncertain significance (1 of 4 stars; one submission).

Conditions:
Acute myeloid leukemia (AML). Also called: Acute myeloid leukemia, adult; AML adult; Acute non-lymphocytic leukemia; Acute granulocytic leukemia; Leukemia, acute myeloid, somatic; Leukemia, acute myelogenous, somatic. Identifiers: Orphanet 519, MedGen C0023467, MeSH D015470, MONDO:0018874, OMIM 601626, HP:0004808. Disease mechanism: Constitutively activated FLT3.

Allele frequency attached by ClinVar (database versions not stated): TOPMed below 0.00001.

Submission:

Labcorp Genetics (formerly Invitae), Labcorp
Classification: Uncertain significance for Acute myeloid leukemia. Last evaluated: 2024-10-08. Review status: criteria provided, single submitter. Criteria: Invitae Variant Classification Sherloc (09022015). Collection method: clinical testing. Allele origin: germline.
Comment: This sequence change replaces proline, which is neutral and non-polar, with leucine, which is neutral and non-polar, at codon 70 of the CEBPA protein (p.Pro70Leu). This variant is not present in population databases (gnomAD no frequency). This variant has not been reported in the literature in individuals affected with CEBPA-related conditions. ClinVar contains an entry for this variant (Variation ID: 654843). Invitae Evidence Modeling of protein sequence and biophysical properties (such as structural, functional, and spatial information, amino acid conservation, physicochemical variation, residue mobility, and thermodynamic stability) indicates that this missense variant is expected to disrupt CEBPA protein function with a positive predictive value of 80%. In summary, the available evidence is currently insufficient to determine the role of this variant in disease. Therefore, it has been classified as a Variant of Uncertain Significance.

NM_004364.5(CEBPA):c.209C>T (p.Pro70Leu)

Gene: CEBPA (CCAAT enhancer binding protein alpha; minus strand). Cytogenetic location: 19q13.11.
Variant type: single nucleotide variant.
Coding change: c.209C>T on transcript NM_004364.5 (MANE Select); coding-DNA position 209, C replaced by T.
Protein change: p.Pro70Leu; replaces proline 70 with leucine.
Molecular consequence: missense variant. On other transcripts: 5 prime UTR variant (1).
Genome position (GRCh38, 1-based): chr19:33,302,206, G>A on the plus strand (C>T on the coding strand, the complement: CEBPA is on the minus strand). VCF-style: chr19-33302206-G-A. GRCh37 (hg19) VCF-style: chr19-33793112-G-A.
Other names: c.-149C>T (NM_001285829.2); c.314C>T, p.Pro105Leu (NM_001287424.2); c.167C>T, p.Pro56Leu (NM_001287435.2); short protein forms P56L, P105L, P70L.
Identifiers: ClinVar variation 654843 (VCV000654843.9), dbSNP rs1600023907, ClinGen allele CA405275440.